The following is an entry in ClinVar:

ClinVar aggregate classification (germline): Uncertain significance. Review status: criteria provided, multiple submitters, no conflicts (2 of 4 stars). 3 submissions from 3 submitters: Uncertain significance (3). Last evaluated 2024-10-19.

Conditions:
Cardiovascular phenotype. Identifiers: MedGen CN230736.
RASopathy. Also called: Noonan spectrum disorder; rasopathies. Identifiers: Orphanet 536391, MedGen C5555857, MONDO:0021060.

Allele frequency attached by ClinVar (database versions not stated): TOPMed 0.00002; ESP Exome Variant Server 0.00008.
gnomAD v4.1: 15 of 1,613,458 alleles (0.00093%); highest among the groups gnomAD compares: Non-Finnish European, 0.0013%; no homozygotes.

Submissions (3):

Ambry Genetics
Classification: Uncertain significance for Cardiovascular phenotype. Last evaluated: 2024-10-19. Review status: criteria provided, single submitter. Criteria: Ambry Variant Classification Scheme 2023. Collection method: clinical testing. Allele origin: germline.
Comment: The p.I600L variant (also known as c.1798A>C), located in coding exon 10 of the SOS1 gene, results from an A to C substitution at nucleotide position 1798. The isoleucine at codon 600 is replaced by leucine, an amino acid with highly similar properties. This amino acid position is conserved. In addition, this alteration is predicted to be tolerated by in silico analysis. Based on the available evidence, the clinical significance of this variant remains unclear.

GeneDx
Classification: Uncertain significance. Last evaluated: 2022-11-17. Review status: criteria provided, single submitter. Criteria: GeneDx Variant Classification Process June 2021. Collection method: clinical testing. Allele origin: germline. Affected: yes.
Comment: Not observed at significant frequency in large population cohorts (gnomAD); Missense variants in this gene are often considered pathogenic (HGMD); In silico analysis supports that this missense variant does not alter protein structure/function; Has not been previously published as pathogenic or benign to our knowledge; This variant is associated with the following publications: (PMID: 29493581)

Labcorp Genetics (formerly Invitae), Labcorp
Classification: Uncertain significance for RASopathy. Last evaluated: 2019-06-25. Review status: criteria provided, single submitter. Criteria: Invitae Variant Classification Sherloc (09022015). Collection method: clinical testing. Allele origin: germline.
Comment: In summary, the available evidence is currently insufficient to determine the role of this variant in disease. Therefore, it has been classified as a Variant of Uncertain Significance. Algorithms developed to predict the effect of missense changes on protein structure and function (SIFT, PolyPhen-2, Align-GVGD) all suggest that this variant is likely to be tolerated, but these predictions have not been confirmed by published functional studies and their clinical significance is uncertain. This variant has not been reported in the literature in individuals with SOS1-related disease. This variant is not present in population databases (ExAC no frequency). This sequence change replaces isoleucine with leucine at codon 600 of the SOS1 protein (p.Ile600Leu). The isoleucine residue is moderately conserved and there is a small physicochemical difference between isoleucine and leucine.

NM_005633.4(SOS1):c.1798A>C (p.Ile600Leu)

Gene: SOS1 (SOS Ras/Rac guanine nucleotide exchange factor 1; minus strand). Cytogenetic location: 2p22.1.
Variant type: single nucleotide variant.
Coding change: c.1798A>C on transcript NM_005633.4 (MANE Select); coding-DNA position 1798, A replaced by C.
Protein change: p.Ile600Leu; replaces isoleucine 600 with leucine.
Molecular consequence: missense variant.
Genome position (GRCh38, 1-based): chr2:39,022,630, T>G on the plus strand (A>C on the coding strand, the complement: SOS1 is on the minus strand). VCF-style: chr2-39022630-T-G. GRCh37 (hg19) VCF-style: chr2-39249771-T-G.
Other names: c.1777A>C, p.Ile593Leu (NM_001382394.1); c.1798A>C, p.Ile600Leu (NM_001382395.1); short protein forms I600L, I593L.
Identifiers: ClinVar variation 576088 (VCV000576088.12), dbSNP rs373139450, ClinGen allele CA45674350.